The following is an entry in ClinVar:

ClinVar aggregate classification (germline): Benign/Likely benign. Review status: criteria provided, multiple submitters, no conflicts (2 of 4 stars). 4 submissions from 4 submitters: Benign (2); Likely benign (2). Last evaluated 2025-09-21.

Conditions:
CNGA3-related disorder. Also called: CNGA3-related condition.

Allele frequency attached by ClinVar (database versions not stated): gnomAD exomes 0.00009 and 0.00030; ExAC 0.00033; gnomAD 0.00080 and 0.00083; TOPMed 0.00088; 1000 Genomes Project 0.00120; ESP Exome Variant Server 0.00123; 1000 Genomes Project 30x 0.00141.
gnomAD v4.1: 260 of 1,614,236 alleles (0.016%); highest among the groups gnomAD compares: African/African-American, 0.32%; no homozygotes.

Submissions (4):

Labcorp Genetics (formerly Invitae), Labcorp
Classification: Benign. Last evaluated: 2025-09-21. Review status: criteria provided, single submitter. Criteria: Invitae Variant Classification Sherloc (09022015). Collection method: clinical testing. Allele origin: germline.

PreventionGenetics, part of Exact Sciences
Classification: Likely benign for CNGA3-related condition. Last evaluated: 2025-03-06. Review status: criteria provided, single submitter. Criteria: ACMG Guidelines, 2015. Collection method: clinical testing. Allele origin: germline.
Comment: This variant is classified as likely benign based on ACMG/AMP sequence variant interpretation guidelines (Richards et al. 2015 PMID: 25741868, with internal and published modifications).

Blueprint Genetics
Classification: Likely benign. Last evaluated: 2024-08-09. Review status: criteria provided, single submitter. Criteria: ACMG Guidelines, 2015. Collection method: clinical testing. Allele origin: germline.

Breakthrough Genomics
Classification: Benign. Review status: criteria provided, single submitter. Criteria: ACMG Guidelines, 2015. Collection method: not provided. Allele origin: germline. Inheritance: Autosomal recessive inheritance. Affected: yes.

NM_001298.3(CNGA3):c.438C>T (p.Asn146=)

Gene: CNGA3 (cyclic nucleotide gated channel subunit alpha 3; plus strand). Cytogenetic location: 2q11.2.
Variant type: single nucleotide variant.
Coding change: c.438C>T on transcript NM_001298.3 (MANE Select); coding-DNA position 438, C replaced by T.
Protein change: p.Asn146=; no amino-acid change (asparagine 146 retained).
Molecular consequence: synonymous variant. On other transcripts: intron variant (1).
Genome position (GRCh38, 1-based): chr2:98,383,430, C>T. VCF-style: chr2-98383430-C-T. GRCh37 (hg19) VCF-style: chr2-98999893-C-T.
Other names: c.438C>T (NM_001298.2); c.395+3076C>T (NM_001079878.2).
Identifiers: ClinVar variation 1169905 (VCV001169905.12), dbSNP rs138720071, ClinGen allele CA1793738.
Genomic context (GRCh38, chr2:98,383,430, plus strand): 5'-CTCTCTACCTTCCCGCAGCGCCTGGCCCCTGGCCAAATGCAACACTAACACCAGCAACAA[C>T]ACGGAGGAGGAGTAAGTACCCACACACCCAGCAGAGCCCTCCCCAAGCCCGGTGCCCTCC-3'
Protein context (NP_001289.1, residues 136-156): LAKCNTNTSN[Asn146=]TEEEKKTKKK